The following is an entry in ClinVar:

NM_001360.3(DHCR7):c.349T>A (p.Phe117Ile)

Gene: DHCR7 (7-dehydrocholesterol reductase; minus strand). Cytogenetic location: 11q13.4.
Variant type: single nucleotide variant.
Coding change: c.349T>A on transcript NM_001360.3 (MANE Select); coding-DNA position 349, T replaced by A.
Protein change: p.Phe117Ile; replaces phenylalanine 117 with isoleucine.
Molecular consequence: missense variant.
Genome position (GRCh38, 1-based): chr11:71,442,326, A>T on the plus strand (T>A on the coding strand, the complement: DHCR7 is on the minus strand). VCF-style: chr11-71442326-A-T. GRCh37 (hg19) VCF-style: chr11-71153372-A-T.
Other names: c.349T>A, p.Phe117Ile (NM_001163817.2, NM_001425107.1, NM_001425109.1 and 7 more transcripts); c.385T>A, p.Phe129Ile (NM_001425108.1); c.289T>A, p.Phe97Ile (NM_001425113.1); c.253T>A, p.Phe85Ile (NM_001425114.1, NM_001425116.1); c.175T>A, p.Phe59Ile (NM_001425117.1); short protein forms F117I, F129I, F59I, F85I, F97I.
Identifiers: ClinVar variation 4880203 (VCV004880203.1).

ClinVar aggregate classification (germline): Uncertain significance (1 of 4 stars; one submission).

Conditions:
Smith-Lemli-Opitz syndrome (SLOS). Also called: LETHAL ACRODYSGENITAL SYNDROME; POLYDACTYLY, SEX REVERSAL, RENAL HYPOPLASIA, AND UNILOBAR LUNG; RSH SYNDROME; RUTLEDGE LETHAL MULTIPLE CONGENITAL ANOMALY SYNDROME; 7-Dehydrocholesterol reductase deficiency. Identifiers: Orphanet 818, MedGen C0175694, MONDO:0010035, OMIM 270400.

gnomAD v4.1: 12 of 1,613,940 alleles (0.00074%); highest among the groups gnomAD compares: Non-Finnish European, 0.001%; no homozygotes.

Submission:

Wales Gene Park, Division Of Cancer and Genetics, Cardiff University
Classification: Uncertain significance for Smith-Lemli-Opitz syndrome. Last evaluated: 2026-04-28. Review status: criteria provided, single submitter. Criteria: ACGS Best Practice Guidelines for Variant Classification in Rare Disease 2024. Collection method: research. Allele origin: inherited. Inheritance: Autosomal recessive inheritance. Study: 100,000 Genomes Project (Wales).
Comment: Inherited DHCR7 missense variant detected by trio genome sequencing. Low frequency in gnomAD (v4.1.1). REVEL score neutral 0.416. Variant was detected in trans to a common pathogenic DHCR7 variant (p.Trp151Ter). Evidence codes: PM2, PM3.